The following is an entry in ClinVar:

NM_182961.4(SYNE1):c.14189T>A (p.Val4730Glu)

Gene: SYNE1 (spectrin repeat containing nuclear envelope protein 1; minus strand). Cytogenetic location: 6q25.2.
Variant type: single nucleotide variant.
Coding change: c.14189T>A on transcript NM_182961.4 (MANE Select); coding-DNA position 14189, T replaced by A.
Protein change: p.Val4730Glu; replaces valine 4730 with glutamic acid.
Molecular consequence: missense variant.
Genome position (GRCh38, 1-based): chr6:152,330,496, A>T on the plus strand (T>A on the coding strand, the complement: SYNE1 is on the minus strand). VCF-style: chr6-152330496-A-T. GRCh37 (hg19) VCF-style: chr6-152651631-A-T.
Other names: c.13976T>A, p.Val4659Glu (NM_033071.5); short protein forms V4659E, V4730E.
Identifiers: ClinVar variation 1394416 (VCV001394416.6), dbSNP rs141752799, ClinGen allele CA4056052.

ClinVar aggregate classification (germline): Uncertain significance (1 of 4 stars; one submission).

Conditions:
Emery-Dreifuss muscular dystrophy 4, autosomal dominant (EDMD4). Also called: EMERY-DREIFUSS MUSCULAR DYSTROPHY 4 WITH VARIABLE FEATURES. Identifiers: Orphanet 261, MedGen C2751807, MONDO:0013071, OMIM 612998.
Autosomal recessive ataxia, Beauce type. Also called: SYNE1-Related Autosomal Recessive Cerebellar Ataxia; Spinocerebellar ataxia, autosomal recessive 8; ATAXIA, RECESSIVE, OF BEAUCE; SYNE1 Deficiency. Identifiers: Orphanet 88644, MedGen C1853116, MONDO:0012549, OMIM 610743.

Allele frequency attached by ClinVar (database versions not stated): gnomAD 0.00001 and 0.00003; ExAC 0.00002; TOPMed 0.00002; ESP Exome Variant Server 0.00015; gnomAD exomes below 0.00001.
gnomAD v4.1: 6 of 1,613,816 alleles (0.00037%); highest among the groups gnomAD compares: Non-Finnish European, 0.00051%; no homozygotes.

Submission:

Labcorp Genetics (formerly Invitae), Labcorp
Classification: Uncertain significance for Emery-Dreifuss muscular dystrophy 4, autosomal dominant; Autosomal recessive ataxia, Beauce type. Last evaluated: 2022-10-18. Review status: criteria provided, single submitter. Criteria: Invitae Variant Classification Sherloc (09022015). Collection method: clinical testing. Allele origin: germline.
Comment: This sequence change replaces valine, which is neutral and non-polar, with glutamic acid, which is acidic and polar, at codon 4659 of the SYNE1 protein (p.Val4659Glu). This variant is present in population databases (rs141752799, gnomAD 0.0009%). This variant has not been reported in the literature in individuals affected with SYNE1-related conditions. ClinVar contains an entry for this variant (Variation ID: 1394416). Algorithms developed to predict the effect of missense changes on protein structure and function (SIFT, PolyPhen-2, Align-GVGD) all suggest that this variant is likely to be disruptive. In summary, the available evidence is currently insufficient to determine the role of this variant in disease. Therefore, it has been classified as a Variant of Uncertain Significance.